The following is an entry in ClinVar:

NM_001352754.2(ARMC9):c.2188C>T (p.Arg730Cys)

Genes: ARMC9 (armadillo repeat containing 9; plus strand), LOC122861306 (Sharpr-MPRA regulatory region 9410; plus strand). Cytogenetic location: 2q37.1.
Variant type: single nucleotide variant.
Coding change: c.2188C>T on transcript NM_001352754.2 (MANE Select); coding-DNA position 2188, C replaced by T.
Protein change: p.Arg730Cys; replaces arginine 730 with cysteine.
Molecular consequence: missense variant.
Genome position (GRCh38, 1-based): chr2:231,360,810, C>T. VCF-style: chr2-231360810-C-T. GRCh37 (hg19) VCF-style: chr2-232225522-C-T.
Other names: c.2188C>T, p.Arg730Cys (NM_001271466.4); short protein forms R730C.
Identifiers: ClinVar variation 1355448 (VCV001355448.3), dbSNP rs774389598, ClinGen allele CA2160585.

ClinVar aggregate classification (germline): Uncertain significance (1 of 4 stars; one submission).

Allele frequency attached by ClinVar (database versions not stated): gnomAD 0.00002 and 0.00003; TOPMed 0.00002; gnomAD exomes 0.00004; ExAC 0.00024.
gnomAD v4.1: 55 of 1,536,002 alleles (0.0036%); highest among the groups gnomAD compares: South Asian, 0.031%; no homozygotes.

Submission:

Labcorp Genetics (formerly Invitae), Labcorp
Classification: Uncertain significance. Last evaluated: 2022-08-01. Review status: criteria provided, single submitter. Criteria: Invitae Variant Classification Sherloc (09022015). Collection method: clinical testing. Allele origin: germline.
Comment: This sequence change replaces arginine, which is basic and polar, with cysteine, which is neutral and slightly polar, at codon 730 of the ARMC9 protein (p.Arg730Cys). This variant is present in population databases (rs774389598, gnomAD 0.02%). This variant has not been reported in the literature in individuals affected with ARMC9-related conditions. ClinVar contains an entry for this variant (Variation ID: 1355448). Experimental studies and prediction algorithms are not available or were not evaluated, and the functional significance of this variant is currently unknown. In summary, the available evidence is currently insufficient to determine the role of this variant in disease. Therefore, it has been classified as a Variant of Uncertain Significance.